The following is an entry in ClinVar:

ClinVar aggregate classification (germline): Likely pathogenic (1 of 4 stars; one submission).

Conditions:
Waardenburg syndrome type 1 (WS1). Also called: Waardenburg Syndrome Type I; WAARDENBURG SYNDROME WITH DYSTOPIA CANTHORUM. Identifiers: Orphanet 894, MedGen C1847800, MONDO:0008670, OMIM 193500.

Submission:

Genetic Medicine of African Populations, University of Cape Town
Classification: Likely pathogenic for Waardenburg syndrome type 1. Last evaluated: 2025-11-30. Review status: criteria provided, single submitter. Criteria: ACMG Guidelines, 2015. Collection method: research. Allele origin: inherited. Inheritance: Autosomal dominant inheritance. Affected: yes. Observed: 1 variant allele.
Comment: The NM_000438.6:c.325delG is a nonsense variant in PAX3, which is predicted to result in an early stop codon insertion at position 109, and likely to result in an absent, reduced, or disrupted protein product (PVS1). The variant is described as de novo (present in only the affected proband), with confirmation of paternity and maternity, in one individual with a highly specific phenotype and in one individual with a phenotype consistent with the gene and highly specific (PS2, PP4). This variant is absent in population databases (ClinVar) (PM2). In summary, this variant meets the criteria to be classified as Likely Pathogenic for Waardenburg syndrome based on the ACMG/AMP criteria applied (PVS1, PS2, PM2, and PP4).

NM_181458.4(PAX3):c.325del (p.Gln108_Val109insTer)

Gene: PAX3 (paired box 3; minus strand). Cytogenetic location: 2q36.1.
Variant type: Deletion.
Coding change: c.325del on transcript NM_181458.4 (MANE Select); coding-DNA position 325, one base deleted (G; older notation c.325delG).
Protein change: p.Gln108_Val109insTer.
Molecular consequence: nonsense.
Genome position (GRCh38, 1-based): chr2:222,295,654, C deleted on the plus strand (G on the coding strand, the reverse complement: PAX3 is on the minus strand); the first of 2 consecutive C bases (chr2:222,295,654-222,295,655); deleting either gives the same sequence. VCF-style (leftmost placement, unchanged base first): chr2-222295653-AC-A. GRCh37 (hg19) VCF-style: chr2-223160372-AC-A.
Other names: c.325del, p.Gln108_Val109insTer (NM_000438.6, NM_013942.5, NM_181457.4 and 3 more transcripts); c.325delG (NM_000438.6).
Identifiers: ClinVar variation 4823897 (VCV004823897.1).